The following is an entry in ClinVar:

ClinVar aggregate classification (germline): Pathogenic (1 of 4 stars; one submission).

Conditions:
Nephronophthisis. Also called: Juvenile Nephronophthisis. Identifiers: Orphanet 655, MedGen C0687120, MONDO:0019005, HP:0000090.

Allele frequency attached by ClinVar (database versions not stated): TOPMed below 0.00001; gnomAD 0.00001; gnomAD exomes 0.00001.
gnomAD v4.1: 15 of 1,603,954 alleles (0.00094%); highest among the groups gnomAD compares: Non-Finnish European, 0.0013%; no homozygotes.

Submission:

Labcorp Genetics (formerly Invitae), Labcorp
Classification: Pathogenic for Nephronophthisis. Last evaluated: 2022-03-15. Review status: criteria provided, single submitter. Criteria: Invitae Variant Classification Sherloc (09022015). Collection method: clinical testing. Allele origin: germline.
Comment: This sequence change creates a premature translational stop signal (p.Gln1234*) in the NPHP4 gene. It is expected to result in an absent or disrupted protein product. Loss-of-function variants in NPHP4 are known to be pathogenic (PMID: 12205563, 23559409). This variant is not present in population databases (gnomAD no frequency). This variant has not been reported in the literature in individuals affected with NPHP4-related conditions. For these reasons, this variant has been classified as Pathogenic.

Literature cited by the submitters: PubMed 12205563; PubMed 23559409.

NM_015102.5(NPHP4):c.3700C>T (p.Gln1234Ter)

Gene: NPHP4 (nephrocystin 4; minus strand). Cytogenetic location: 1p36.31.
Variant type: single nucleotide variant.
Coding change: c.3700C>T on transcript NM_015102.5 (MANE Select); coding-DNA position 3700, C replaced by T.
Protein change: p.Gln1234Ter; replaces glutamine 1234 with a stop codon.
Molecular consequence: nonsense. On other transcripts: non-coding transcript variant (1).
Genome position (GRCh38, 1-based): chr1:5,865,218, G>A on the plus strand (C>T on the coding strand, the complement: NPHP4 is on the minus strand). VCF-style: chr1-5865218-G-A. GRCh37 (hg19) VCF-style: chr1-5925278-G-A.
Other names: c.2161C>T, p.Gln721Ter (NM_001291593.2); c.2164C>T, p.Gln722Ter (NM_001291594.2); short protein forms Q722*, Q1234*, Q721*.
Identifiers: ClinVar variation 2001062 (VCV002001062.4), dbSNP rs1257152837, ClinGen allele CA338050332.